The following is an entry in ClinVar:

ClinVar aggregate classification (germline): Benign. Review status: criteria provided, multiple submitters, no conflicts (2 of 4 stars). 4 submissions from 4 submitters: Benign (4). Last evaluated 2023-04-11.

Conditions:
Maple syrup urine disease (MSUD). Identifiers: Orphanet 511, MedGen C0024776, MeSH D008375, MONDO:0009563. Disease mechanism: loss of function.

Allele frequency attached by ClinVar (database versions not stated): TOPMed 0.74283; gnomAD 0.74605 and 0.75557; 1000 Genomes Project 0.76677.

Submissions (4):

Genome-Nilou Lab
Classification: Benign for Maple syrup urine disease type 1A. Last evaluated: 2023-04-11. Review status: criteria provided, single submitter. Criteria: ACMG Guidelines, 2015. Collection method: clinical testing. Allele origin: germline. Affected: no.

GeneDx
Classification: Benign. Last evaluated: 2018-06-29. Review status: criteria provided, single submitter. Criteria: GeneDx Variant Classification Process June 2021. Collection method: clinical testing. Allele origin: germline. Affected: yes.

Illumina Laboratory Services, Illumina
Classification: Benign for Maple syrup urine disease type 1A. Last evaluated: 2018-01-12. Review status: criteria provided, single submitter. Criteria: ICSL Variant Classification Criteria 13 December 2019. Collection method: clinical testing. Allele origin: germline.
Comment: This variant was observed in the ICSL laboratory as part of a predisposition screen in an ostensibly healthy population. It had not been previously curated by ICSL or reported in the Human Gene Mutation Database (HGMD: prior to June 1st, 2018), and was therefore a candidate for classification through an automated scoring system. Utilizing variant allele frequency, disease prevalence and penetrance estimates, and inheritance mode, an automated score was calculated to assess if this variant is too frequent to cause the disease. Based on the score and internal cut-off values, a variant classified as benign is not then subjected to further curation. The score for this variant resulted in a classification of benign for this disease.

Breakthrough Genomics
Classification: Benign. Review status: criteria provided, single submitter. Criteria: ACMG Guidelines, 2015. Collection method: not provided. Allele origin: germline. Inheritance: Autosomal recessive inheritance. Affected: yes.

NM_001918.5(DBT):c.*6228A>T

Gene: DBT (dihydrolipoamide branched chain transacylase E2; minus strand). Cytogenetic location: 1p21.2.
Variant type: single nucleotide variant.
Coding change: c.*6228A>T on transcript NM_001918.5 (MANE Select); 6228 bases downstream of the stop codon, A replaced by T.
Molecular consequence: 3 prime UTR variant.
Genome position (GRCh38, 1-based): chr1:100,190,027, T>A on the plus strand (A>T on the coding strand, the complement: DBT is on the minus strand). VCF-style: chr1-100190027-T-A. GRCh37 (hg19) VCF-style: chr1-100655583-T-A.
Identifiers: ClinVar variation 291395 (VCV000291395.9), dbSNP rs4281338, ClinGen allele CA10607108.
Genomic context (GRCh38, chr1:100,190,027, plus strand): 5'-GAGCAATTGAAATGTGGCTAGTATATCTGAGTTGAATTTTGATTAATTAAAATTAAAATT[T>A]AAATTTAAATAGCTACATGTGGCTAGAGGCTACTGCATTAGACAGCTCAGAGTTCGAGTT-3'